The following is an entry in ClinVar:

ClinVar aggregate classification (germline): Likely pathogenic (1 of 4 stars; one submission).

Conditions:
Factor I deficiency (CFID). Also called: Complement factor I deficiency. Identifiers: Orphanet 200418, MedGen C3463916, MONDO:0012594, OMIM 610984.

Submission:

Genomenon, Inc
Classification: Likely pathogenic for Factor I deficiency. Last evaluated: 2025-09-26. Review status: criteria provided, single submitter. Criteria: Genomenon Sequence Variant Interpretation Standards - Updated. Collection method: curation. Allele origin: germline. Affected: yes.
Comment: CFI p.Gly71Val (c.212G>T) is a missense variant that changes the amino acid at residue 71 from Glycine to Valine. This variant has been observed in at least one proband affected with complement factor I deficiency (PMID:22926405). At least one functional study has demonstrated a substantial alteration in protein function relative to the wild-type (PMID:22926405). It is absent or not present at a significant frequency in gnomAD. In silico models agree that this variant is not damaging. In conclusion, we classify CFI p.Gly71Val (c.212G>T) as a likely pathogenic variant.

Literature cited by the submitters: PubMed 22926405.

NM_000204.5(CFI):c.212G>T (p.Gly71Val)

Gene: CFI (complement factor I; minus strand). Cytogenetic location: 4q25.
Variant type: single nucleotide variant.
Coding change: c.212G>T on transcript NM_000204.5 (MANE Select); coding-DNA position 212, G replaced by T.
Protein change: p.Gly71Val; replaces glycine 71 with valine.
Molecular consequence: missense variant. On other transcripts: non-coding transcript variant (3), intron variant (1).
Genome position (GRCh38, 1-based): chr4:109,766,670, C>A on the plus strand (G>T on the coding strand, the complement: CFI is on the minus strand). VCF-style: chr4-109766670-C-A. GRCh37 (hg19) VCF-style: chr4-110687826-C-A.
Other names: c.212G>T, p.Gly71Val (NM_001318057.2, NM_001331035.2, NM_001375278.1 and 10 more transcripts); c.-127-4978G>T (NM_001375284.1); short protein forms G71V.
Identifiers: ClinVar variation 4280491 (VCV004280491.1).